The following is an entry in ClinVar:

NM_206933.4(USH2A):c.9345_9346del (p.Pro3116fs)

Gene: USH2A (usherin; minus strand). Cytogenetic location: 1q41.
Variant type: Microsatellite.
Coding change: c.9345_9346del on transcript NM_206933.4 (MANE Select); coding-DNA positions 9345 to 9346, 2 bases deleted (AC; older notation c.9345_9346delAC).
Protein change: p.Pro3116fs; shifts the reading frame from proline 3116.
Molecular consequence: frameshift variant.
Genome position (GRCh38, 1-based): chr1:215,838,016-215,838,017, GT deleted on the plus strand (AC on the coding strand, the reverse complement: USH2A is on the minus strand); deleting any 2 consecutive bases within chr1:215,838,016-215,838,019 gives the same sequence; the c. name uses the placement nearest the transcript's 3' end. VCF-style (leftmost placement, unchanged base first): chr1-215838015-GGT-G. GRCh37 (hg19) VCF-style: chr1-216011357-GGT-G.
Other names: c.9345_9346delAC (NM_206933.3); c.[9345_9346del] (NM_206933.2); c.9345_9346del (NM_206933.2, NM_206933.3); short protein forms P3116fs.
Identifiers: ClinVar variation 371686 (VCV000371686.31), dbSNP rs536593247, ClinGen allele CA1394348.
Genomic context (GRCh38, chr1:215,838,015, plus strand): 5'-GAGTTCCTTAGATTTAACTGACACAAAATTTTGTACCTTGAAGTGATGCCACGAATTGTG[GGT>G]GTTGGTATATCACTTGGAGTGTCTTCCACAGTGGTAATTTGGGTTCCATTGCTTTTCACG-3'

ClinVar aggregate classification (germline): Pathogenic/Likely pathogenic. Review status: criteria provided, multiple submitters, no conflicts (2 of 4 stars). 13 submissions from 11 submitters: Pathogenic (9); Likely pathogenic (2). 2 of the submissions do not count toward it. Last evaluated 2026-08-04.

Conditions:
Usher syndrome type 2A. Also called: USHER SYNDROME, TYPE IIA; RETINAL DISEASE IN USHER SYNDROME TYPE IIA, MODIFIER OF. Identifiers: Orphanet 231178, Orphanet 886, MedGen C1848634, MONDO:0010169, OMIM 276901.
Retinitis pigmentosa 39 (RP39). Identifiers: Orphanet 791, MedGen C3151138, MONDO:0013436, OMIM 613809.
Usher syndrome. Also called: Usher Syndromes; Usher's syndrome. Identifiers: Orphanet 886, MedGen CN469326, MeSH D052245, MONDO:0019501. Disease mechanism: loss of function.
USH2A-related disorder. Also called: USH2A-related condition; USH2A-related disorders. Identifiers: MedGen CN239332.

Submissions (13):

PreventionGenetics, part of Exact Sciences
Classification: Pathogenic for USH2A-related condition. Last evaluated: 2026-08-04. Review status: criteria provided, single submitter. Criteria: ACMG Guidelines, 2015. Collection method: clinical testing. Allele origin: germline.
Comment: The USH2A c.9345_9346delAC variant is predicted to result in a frameshift and premature protein termination (p.Pro3116Hisfs*13). This variant has been reported in the homozygous state or along with a second causative USH2A variant in individuals with Usher syndrome type 2 (Table S1, Baux et al. 2014. PubMed ID: 24944099; Table S2, Mansard et al. 2021. PubMed ID: 34948090). ﻿This variant is reported in 0.056% of alleles in individuals of African descent in gnomAD. Frameshift variants in USH2A are expected to be pathogenic. This variant is interpreted as pathogenic.

Labcorp Genetics (formerly Invitae), Labcorp
Classification: Pathogenic. Last evaluated: 2026-01-08. Review status: criteria provided, single submitter. Criteria: Invitae Variant Classification Sherloc (09022015). Collection method: clinical testing. Allele origin: germline.
Comment: This sequence change creates a premature translational stop signal (p.Pro3116Hisfs*13) in the USH2A gene. It is expected to result in an absent or disrupted protein product. Loss-of-function variants in USH2A are known to be pathogenic (PMID: 10729113, 10909849, 20507924, 25649381). This variant is present in population databases (rs536593247, gnomAD 0.05%). This premature translational stop signal has been observed in individual(s) with Usher syndrome (PMID: 24944099). ClinVar contains an entry for this variant (Variation ID: 371686). For these reasons, this variant has been classified as Pathogenic.

Natera, Inc.
Classification: Pathogenic for Usher syndrome type 2A. Last evaluated: 2025-11-25. Review status: criteria provided, single submitter. Criteria: Natera Variant Classification Schema (03/2026). Collection method: clinical testing. Allele origin: germline.
Comment: The c.9345_9346delAC variant in USH2A is a frameshift variant predicted to shift the reading frame beginning at codon 3116 and leads to a stop codon 13 codons downstream. This variant is expected to result in nonsense mediated decay, truncation, or a dysfunctional protein product. This variant is rare in the general population with a frequency below the threshold expected for the associated phenotype(s). This variant has been observed in one or more individuals affected with the associated recessive disease, as either homozygous or compound heterozygous with a second variant (PMID: 27460420). Given the available evidence, this variant is classified as Pathogenic.

GeneDx
Classification: Pathogenic. Last evaluated: 2025-04-18. Review status: criteria provided, single submitter. Criteria: GeneDx Variant Classification Process June 2021. Collection method: clinical testing. Allele origin: germline. Affected: yes.
Comment: Frameshift variant predicted to result in protein truncation or nonsense mediated decay in a gene for which loss-of-function is a known mechanism of disease; This variant is associated with the following publications: (PMID: 31964843, 34948090, 24944099, 27460420)

Laboratory of Human Genetics, Universidade de São Paulo
Classification: Pathogenic for Usher syndrome. Last evaluated: 2024-05-01. Review status: criteria provided, single submitter. Criteria: ClinGen HL ACMG Specifications v1. Collection method: research. Allele origin: biparental. Affected: yes. Observed: 2 variant alleles.
Comment: The USH2A:c.9345del is a null variant in a gene where loss of function is a known mechanism of disease (PVS1), Extremely low frequency in gnomAD population databases (PM2), For recessive disorders, detected in trans with a pathogenic variant, or in a homozygous or compound heterozygous state in affected cases (PM3), Cosegregation with disease in multiple affected family members in a gene definitively known to cause the disease (PP1) , reported in ClinVar in affected individuals (PP5); it was detected in homozygosis in two affected siblings with Usher syndrome born from consanguineous couple.

Baylor Genetics
Classification: Pathogenic for Retinitis pigmentosa 39. Last evaluated: 2024-03-29. Review status: criteria provided, single submitter. Criteria: ACMG Guidelines, 2015. Collection method: clinical testing. Allele origin: unknown.

Fulgent Genetics
Classification: Pathogenic for Usher syndrome type 2A; Retinitis pigmentosa 39. Last evaluated: 2024-03-28. Review status: criteria provided, single submitter. Criteria: ACMG Guidelines, 2015. Collection method: clinical testing. Allele origin: germline.

Genome-Nilou Lab
Classification: Likely pathogenic for Retinitis pigmentosa 39. Last evaluated: 2023-11-04. Review status: criteria provided, single submitter. Criteria: ACMG Guidelines, 2015. Collection method: clinical testing. Allele origin: germline. Affected: no.

Genome-Nilou Lab
Classification: Likely pathogenic for Usher syndrome type 2A. Last evaluated: 2023-11-04. Review status: criteria provided, single submitter. Criteria: ACMG Guidelines, 2015. Collection method: clinical testing. Allele origin: germline. Affected: no.

Revvity Omics, Revvity
Classification: Pathogenic. Last evaluated: 2023-02-02. Review status: criteria provided, single submitter. Criteria: ACMG Guidelines, 2015. Collection method: clinical testing. Allele origin: germline.

Blueprint Genetics
Classification: Pathogenic for USH2A-related disorders. Last evaluated: 2022-11-30. Review status: criteria provided, single submitter. Criteria: ACMG Guidelines, 2015. Collection method: clinical testing. Allele origin: germline. Affected: yes. Observed: 5 variant alleles.

Counsyl
Classification: Likely pathogenic for Usher syndrome type 2A. Last evaluated: 2016-08-18. Review status: no assertion criteria provided. Collection method: clinical testing. Allele origin: unknown. Not counted in ClinVar's aggregate classification.

Counsyl
Classification: Likely pathogenic for Retinitis pigmentosa 39. Last evaluated: 2016-08-18. Review status: no assertion criteria provided. Collection method: clinical testing. Allele origin: unknown. Not counted in ClinVar's aggregate classification.

Literature cited by the submitters: PubMed 10729113 (cited by Labcorp Genetics (formerly Invitae), Labcorp); PubMed 10909849 (cited by Labcorp Genetics (formerly Invitae), Labcorp); PubMed 20507924 (cited by Labcorp Genetics (formerly Invitae), Labcorp); PubMed 25649381 (cited by Labcorp Genetics (formerly Invitae), Labcorp); PubMed 24944099 (cited by Labcorp Genetics (formerly Invitae), Labcorp and Counsyl); PubMed 27460420 (cited by Natera, Inc.).